The following is an entry in ClinVar:

ClinVar aggregate classification (germline): Uncertain significance. Review status: criteria provided, multiple submitters, no conflicts (2 of 4 stars). 4 submissions from 4 submitters: Uncertain significance (4). Last evaluated 2025-01-29.

Conditions:
Spondylodysplastic Ehlers-Danlos syndrome. Identifiers: Orphanet 536471, Orphanet 75496, MedGen C5680154, MONDO:0007526.
B4GALT7-related disorder. Also called: B4GALT7-related condition.

Submissions (4):

PreventionGenetics, part of Exact Sciences
Classification: Uncertain significance for B4GALT7-related condition. Last evaluated: 2025-01-29. Review status: criteria provided, single submitter. Criteria: ACMG Guidelines, 2015. Collection method: clinical testing. Allele origin: germline.
Comment: The B4GALT7 c.218_219delinsAC variant is predicted to result in an in-frame deletion and insertion. To our knowledge, this variant has not been reported in the literature or in a large population database (gnomAD), indicating this variant is rare. At this time, the clinical significance of this variant is uncertain due to the absence of conclusive functional and genetic evidence.

GeneDx
Classification: Uncertain significance. Last evaluated: 2024-01-17. Review status: criteria provided, single submitter. Criteria: GeneDx Variant Classification Process June 2021. Collection method: clinical testing. Allele origin: germline. Affected: yes.
Comment: Not observed at significant frequency in large population cohorts (gnomAD); In silico analysis supports that this variant does not alter protein structure/function; Has not been previously published as pathogenic or benign to our knowledge

Mayo Clinic Laboratories, Mayo Clinic
Classification: Uncertain significance. Last evaluated: 2023-11-24. Review status: criteria provided, single submitter. Criteria: ACMG Guidelines, 2015. Collection method: clinical testing. Allele origin: germline. Observed: 1 variant allele.

Labcorp Genetics (formerly Invitae), Labcorp
Classification: Uncertain significance for Spondylodysplastic Ehlers-Danlos syndrome. Last evaluated: 2022-08-06. Review status: criteria provided, single submitter. Criteria: Invitae Variant Classification Sherloc (09022015). Collection method: clinical testing. Allele origin: germline.
Comment: This sequence change replaces arginine, which is basic and polar, with histidine, which is basic and polar, at codon 73 of the B4GALT7 protein (p.Arg73His). This variant is present in population databases (no rsID available, gnomAD 0.6%). This variant has not been reported in the literature in individuals affected with B4GALT7-related conditions. ClinVar contains an entry for this variant (Variation ID: 647607). Algorithms developed to predict the effect of missense changes on protein structure and function are either unavailable or do not agree on the potential impact of this missense change (SIFT: "Not Available"; PolyPhen-2: "Possibly Damaging"; Align-GVGD: "Not Available"). In summary, the available evidence is currently insufficient to determine the role of this variant in disease. Therefore, it has been classified as a Variant of Uncertain Significance.

NM_007255.3(B4GALT7):c.218_219inv (p.Arg73His)

Gene: B4GALT7 (beta-1,4-galactosyltransferase 7; plus strand). Cytogenetic location: 5q35.3.
Variant type: Inversion.
Coding change: c.218_219inv on transcript NM_007255.3 (MANE Select).
Protein change: p.Arg73His; replaces arginine 73 with histidine.
Molecular consequence: missense variant.
Genome position: GRCh38 VCF-style: chr5-177604346-GT-AC. GRCh37 (hg19) VCF-style: chr5-177031347-GT-AC.
Other names: p.Arg73His; c.218_219delinsAC (NM_007255.3); c.218_219delGTinsAC (NM_007255.2); short protein forms R73H.
Identifiers: ClinVar variation 647607 (VCV000647607.9), ClinGen allele CA915942738.